The following is an entry in ClinVar:

ClinVar aggregate classification (germline): Likely benign (1 of 4 stars; one submission).

Allele frequency attached by ClinVar (database versions not stated): gnomAD 0.00010; TOPMed 0.00010; 1000 Genomes Project 0.00080; 1000 Genomes Project 30x 0.00094.
gnomAD v4.1: 16 of 151,686 alleles (0.011%); highest among the groups gnomAD compares: South Asian, 0.15%; no homozygotes.

Submission:

CeGaT Center for Human Genetics Tuebingen
Classification: Likely benign. Last evaluated: 2026-03-01. Review status: criteria provided, single submitter. Criteria: CeGaT Center For Human Genetics Tuebingen Variant Classification Criteria Version 2. Collection method: clinical testing. Allele origin: germline. Affected: yes. Observed: 4 variant alleles.
Comment: BRAF: BS1

NM_004333.6(BRAF):c.1140+2157A>G

Gene: BRAF (B-Raf proto-oncogene, serine/threonine kinase; minus strand). Cytogenetic location: 7q34.
Variant type: single nucleotide variant.
Coding change: c.1140+2157A>G on transcript NM_004333.6 (MANE Select); 2157 bases into the intron after coding-DNA position 1140, A replaced by G.
Molecular consequence: intron variant.
Genome position (GRCh38, 1-based): chr7:140,792,151, T>C on the plus strand (A>G on the coding strand, the complement: BRAF is on the minus strand). VCF-style: chr7-140792151-T-C. GRCh37 (hg19) VCF-style: chr7-140491951-T-C.
Other names: c.1140+2157A>G (NM_001378474.1, NM_001378471.1, NM_001378468.1 and 4 more transcripts); c.1038+2157A>G (NM_001378470.1); c.876+2157A>G (NM_001378475.1); c.1149+2157A>G (NM_001378467.1); c.984+2157A>G (NM_001378472.1, NM_001378473.1).
Identifiers: ClinVar variation 2658063 (VCV002658063.24), dbSNP rs550575401, ClinGen allele CA168098896.